The following is an entry in ClinVar:

NM_001384732.1(CPLANE1):c.8373G>A (p.Lys2791=)

Gene: CPLANE1 (ciliogenesis and planar polarity effector complex subunit 1; minus strand). Cytogenetic location: 5p13.2.
Variant type: single nucleotide variant.
Coding change: c.8373G>A on transcript NM_001384732.1 (MANE Select); coding-DNA position 8373, G replaced by A.
Protein change: p.Lys2791=; no amino-acid change (lysine 2791 retained).
Molecular consequence: synonymous variant.
Genome position (GRCh38, 1-based): chr5:37,153,740, C>T on the plus strand (G>A on the coding strand, the complement: CPLANE1 is on the minus strand). VCF-style: chr5-37153740-C-T. GRCh37 (hg19) VCF-style: chr5-37153842-C-T.
Other names: c.8211G>A, p.Lys2737= (NM_023073.4).
Identifiers: ClinVar variation 1391128 (VCV001391128.6), dbSNP rs1305347774, ClinGen allele CA444096580.
Genomic context (GRCh38, chr5:37,153,740, plus strand): 5'-TCACACTACAAATCTAATAATTCAGTAGCAAACAAAAAACTAAAAATAAAGGTAGTCTAC[C>T]TTATCACAATGTAGATCTAGCATTTCAGGCTTGGGGAAATCCTGTTCTATGTTTTCAGCA-3'
Protein context (NP_001371661.1, residues 2781-2801): KPEMLDLHCD[Lys2791=]IGPVDHIEFS

ClinVar aggregate classification (germline): Uncertain significance (1 of 4 stars; one submission).

Allele frequency attached by ClinVar (database versions not stated): gnomAD exomes below 0.00001 and 0.00001; gnomAD 0.00001.
gnomAD v4.1: 5 of 1,606,626 alleles (0.00031%); highest among the groups gnomAD compares: East Asian, 0.0067%; no homozygotes.

Submission:

Labcorp Genetics (formerly Invitae), Labcorp
Classification: Uncertain significance. Last evaluated: 2022-08-15. Review status: criteria provided, single submitter. Criteria: Invitae Variant Classification Sherloc (09022015). Collection method: clinical testing. Allele origin: germline.
Comment: In summary, the available evidence is currently insufficient to determine the role of this variant in disease. Therefore, it has been classified as a Variant of Uncertain Significance. Variants that disrupt the consensus splice site are a relatively common cause of aberrant splicing (PMID: 17576681, 9536098). Algorithms developed to predict the effect of sequence changes on RNA splicing suggest that this variant may disrupt the consensus splice site. ClinVar contains an entry for this variant (Variation ID: 1391128). This variant has not been reported in the literature in individuals affected with CPLANE1-related conditions. This variant is present in population databases (no rsID available, gnomAD 0.01%). This sequence change affects codon 2737 of the CPLANE1 mRNA. It is a 'silent' change, meaning that it does not change the encoded amino acid sequence of the CPLANE1 protein. This variant also falls at the last nucleotide of exon 41, which is part of the consensus splice site for this exon.

Literature cited by the submitters: PubMed 17576681; PubMed 9536098.